The following is an entry in ClinVar:

NM_012064.4(MIP):c.*284T>C

Gene: MIP (major intrinsic protein of lens fiber; minus strand). Cytogenetic location: 12q13.3.
Variant type: single nucleotide variant.
Coding change: c.*284T>C on transcript NM_012064.4 (MANE Select); 284 bases downstream of the stop codon, T replaced by C.
Molecular consequence: 3 prime UTR variant.
Genome position (GRCh38, 1-based): chr12:56,450,996, A>G on the plus strand (T>C on the coding strand, the complement: MIP is on the minus strand). VCF-style: chr12-56450996-A-G. GRCh37 (hg19) VCF-style: chr12-56844780-A-G.
Identifiers: ClinVar variation 309879 (VCV000309879.9), dbSNP rs148601602, ClinGen allele CA10638151.
Genomic context (GRCh38, chr12:56,450,996, plus strand): 5'-GGGTCGAGGAAGGGAGGTATAGGATGGCACCTCTTTTTGCTTCCTTAGCTCTCATGCCCC[A>G]AAACTCAGACACAGCCACACTCACATTCATATGCACAATCAGCACACACGGCGAAGGGTG-3'

ClinVar aggregate classification (germline): Likely benign. Review status: criteria provided, multiple submitters, no conflicts (2 of 4 stars). 3 submissions from 3 submitters: Likely benign (3). Last evaluated 2019-02-07.

Conditions:
Cataract 15 multiple types. Also called: CATARACT 15, LAMELLAR WITH SUTURAL OPACITIES. Identifiers: Orphanet 91492, MedGen C3809001, MONDO:0014110, OMIM 615274.

Allele frequency attached by ClinVar (database versions not stated): gnomAD 0.01365 and 0.01399; 1000 Genomes Project 0.00579; 1000 Genomes Project 30x 0.00593; TOPMed 0.01244.
gnomAD v4.1: 6,749 of 444,082 alleles (1.5%); highest among the groups gnomAD compares: Non-Finnish European, 2%; 72 homozygotes.

Submissions (3):

GeneDx
Classification: Likely benign. Last evaluated: 2019-02-07. Review status: criteria provided, single submitter. Criteria: GeneDx Variant Classification Process June 2021. Collection method: clinical testing. Allele origin: germline. Affected: yes.

Illumina Laboratory Services, Illumina
Classification: Likely benign for Cataract 15 multiple types. Last evaluated: 2017-04-27. Review status: criteria provided, single submitter. Criteria: ICSL Variant Classification Criteria 13 December 2019. Collection method: clinical testing. Allele origin: germline.
Comment: This variant was observed as part of a predisposition screen in an ostensibly healthy population. A literature search was performed for the gene, cDNA change, and amino acid change (where applicable). No publications were found based on this search. Allele frequency data from public databases allowed determination this variant is unlikely to cause disease. Therefore, this variant is classified as likely benign.

Breakthrough Genomics
Classification: Likely benign. Review status: criteria provided, single submitter. Criteria: ACMG Guidelines, 2015. Collection method: not provided. Allele origin: germline. Inheritance: Autosomal dominant inheritance. Affected: yes.